The following is an entry in ClinVar:

ClinVar aggregate classification (germline): Uncertain significance (1 of 4 stars; one submission).

Allele frequency attached by ClinVar (database versions not stated): ExAC 0.00001; gnomAD 0.00001; TOPMed 0.00001; gnomAD exomes 0.00002.

Submission:

Labcorp Genetics (formerly Invitae), Labcorp
Classification: Uncertain significance. Last evaluated: 2022-05-19. Review status: criteria provided, single submitter. Criteria: Invitae Variant Classification Sherloc (09022015). Collection method: clinical testing. Allele origin: germline.
Comment: Algorithms developed to predict the effect of missense changes on protein structure and function (SIFT, PolyPhen-2, Align-GVGD) all suggest that this variant is likely to be tolerated. This sequence change replaces tryptophan, which is neutral and slightly polar, with arginine, which is basic and polar, at codon 15 of the CXCR2 protein (p.Trp15Arg). This variant is present in population databases (rs55672388, gnomAD 0.004%). This variant has not been reported in the literature in individuals affected with CXCR2-related conditions. In summary, the available evidence is currently insufficient to determine the role of this variant in disease. Therefore, it has been classified as a Variant of Uncertain Significance.

NM_001557.4(CXCR2):c.43T>C (p.Trp15Arg)

Gene: CXCR2 (C-X-C motif chemokine receptor 2; plus strand). Cytogenetic location: 2q35.
Variant type: single nucleotide variant.
Coding change: c.43T>C on transcript NM_001557.4 (MANE Select); coding-DNA position 43, T replaced by C.
Protein change: p.Trp15Arg; replaces tryptophan 15 with arginine.
Molecular consequence: missense variant.
Genome position (GRCh38, 1-based): chr2:218,134,844, T>C. VCF-style: chr2-218134844-T-C. GRCh37 (hg19) VCF-style: chr2-218999567-T-C.
Other names: c.43T>C, p.Trp15Arg (NM_001168298.2); short protein forms W15R.
Identifiers: ClinVar variation 2059374 (VCV002059374.2), dbSNP rs55672388, ClinGen allele CA2101638.